The following is an entry in ClinVar:

NM_000037.4(ANK1):c.2822G>A (p.Arg941Gln)

Gene: ANK1 (ankyrin 1; minus strand). Cytogenetic location: 8p11.21.
Variant type: single nucleotide variant.
Coding change: c.2822G>A on transcript NM_000037.4 (MANE Select); coding-DNA position 2822, G replaced by A.
Protein change: p.Arg941Gln; replaces arginine 941 with glutamine.
Molecular consequence: missense variant.
Genome position (GRCh38, 1-based): chr8:41,696,501, C>T on the plus strand (G>A on the coding strand, the complement: ANK1 is on the minus strand). VCF-style: chr8-41696501-C-T. GRCh37 (hg19) VCF-style: chr8-41554019-C-T.
Other names: c.2945G>A, p.Arg982Gln (NM_001142446.2); c.2822G>A, p.Arg941Gln (NM_020475.3, NM_020476.3, NM_020477.3); short protein forms R941Q, R982Q.
Identifiers: ClinVar variation 3605091 (VCV003605091.2).

ClinVar aggregate classification (germline): Uncertain significance (1 of 4 stars; one submission).

gnomAD v4.1: 12 of 1,613,416 alleles (0.00074%); highest among the groups gnomAD compares: East Asian, 0.013%; no homozygotes.

Submission:

Labcorp Genetics (formerly Invitae), Labcorp
Classification: Uncertain significance. Last evaluated: 2024-05-29. Review status: criteria provided, single submitter. Criteria: Invitae Variant Classification Sherloc (09022015). Collection method: clinical testing. Allele origin: germline.
Comment: This sequence change replaces arginine, which is basic and polar, with glutamine, which is neutral and polar, at codon 941 of the ANK1 protein (p.Arg941Gln). The frequency data for this variant in the population databases is considered unreliable, as metrics indicate poor data quality at this position in the gnomAD database. This variant has not been reported in the literature in individuals affected with ANK1-related conditions. Advanced modeling of protein sequence and biophysical properties (such as structural, functional, and spatial information, amino acid conservation, physicochemical variation, residue mobility, and thermodynamic stability) performed at Invitae indicates that this missense variant is not expected to disrupt ANK1 protein function with a negative predictive value of 80%. In summary, the available evidence is currently insufficient to determine the role of this variant in disease. Therefore, it has been classified as a Variant of Uncertain Significance.